The following is an entry in ClinVar:

ClinVar aggregate classification (germline): Benign (1 of 4 stars; one submission).

Conditions:
Autosomal dominant pseudohypoaldosteronism type 1. Also called: Pseudohypoaldosteronism, Type I, Autosomal Dominant; PHA I, AUTOSOMAL DOMINANT; Pseudohypoaldosteronism, Type I, Dominant. Identifiers: Orphanet 171871, Orphanet 756, MedGen C1449842, MONDO:0008329, OMIM 177735.

Allele frequency attached by ClinVar (database versions not stated): gnomAD 0.02433 and 0.02588; 1000 Genomes Project 0.02476; 1000 Genomes Project 30x 0.02623; TOPMed 0.02642.

Submission:

Illumina Laboratory Services, Illumina
Classification: Benign for Autosomal dominant pseudohypoaldosteronism type 1. Last evaluated: 2018-01-12. Review status: criteria provided, single submitter. Criteria: ICSL Variant Classification Criteria 13 December 2019. Collection method: clinical testing. Allele origin: germline.
Comment: This variant was observed in the ICSL laboratory as part of a predisposition screen in an ostensibly healthy population. It had not been previously curated by ICSL or reported in the Human Gene Mutation Database (HGMD: prior to June 1st, 2018), and was therefore a candidate for classification through an automated scoring system. Utilizing variant allele frequency, disease prevalence and penetrance estimates, and inheritance mode, an automated score was calculated to assess if this variant is too frequent to cause the disease. Based on the score and internal cut-off values, a variant classified as benign is not then subjected to further curation. The score for this variant resulted in a classification of benign for this disease.

NM_000901.5(NR3C2):c.*1802G>A

Gene: NR3C2 (nuclear receptor subfamily 3 group C member 2; minus strand). Cytogenetic location: 4q31.23.
Variant type: single nucleotide variant.
Coding change: c.*1802G>A on transcript NM_000901.5 (MANE Select); 1802 bases downstream of the stop codon, G replaced by A.
Molecular consequence: 3 prime UTR variant. On other transcripts: non-coding transcript variant (1).
Genome position (GRCh38, 1-based): chr4:148,079,542, C>T on the plus strand (G>A on the coding strand, the complement: NR3C2 is on the minus strand). VCF-style: chr4-148079542-C-T. GRCh37 (hg19) VCF-style: chr4-149000693-C-T.
Other names: c.*1802G>A (NM_001166104.2, NM_001354819.1).
Identifiers: ClinVar variation 347683 (VCV000347683.5), dbSNP rs5536, ClinGen allele CA10620197.